The following is an entry in ClinVar:

ClinVar aggregate classification (germline): Uncertain significance (1 of 4 stars; one submission).

Conditions:
DYRK1A-related intellectual disability syndrome (MRD7). Also called: Intellectual developmental disorder, autosomal dominant 7; DYRK1A Syndrome. Identifiers: Orphanet 464306, MedGen C5568143, MONDO:0013578, OMIM 614104.

Allele frequency attached by ClinVar (database versions not stated): TOPMed below 0.00001; gnomAD 0.00001; gnomAD exomes 0.00001; ExAC 0.00002; ESP Exome Variant Server 0.00008.
gnomAD v4.1: 9 of 1,613,642 alleles (0.00056%); highest among the groups gnomAD compares: African/African-American, 0.004%; no homozygotes.

Submission:

Labcorp Genetics (formerly Invitae), Labcorp
Classification: Uncertain significance for DYRK1A-related intellectual disability syndrome. Last evaluated: 2024-11-25. Review status: criteria provided, single submitter. Criteria: Invitae Variant Classification Sherloc (09022015). Collection method: clinical testing. Allele origin: germline.
Comment: This sequence change replaces arginine, which is basic and polar, with glutamine, which is neutral and polar, at codon 528 of the DYRK1A protein (p.Arg528Gln). This variant is present in population databases (rs146570372, gnomAD 0.01%). This variant has not been reported in the literature in individuals affected with DYRK1A-related conditions. ClinVar contains an entry for this variant (Variation ID: 2906056). Invitae Evidence Modeling of protein sequence and biophysical properties (such as structural, functional, and spatial information, amino acid conservation, physicochemical variation, residue mobility, and thermodynamic stability) indicates that this missense variant is not expected to disrupt DYRK1A protein function with a negative predictive value of 95%. In summary, the available evidence is currently insufficient to determine the role of this variant in disease. Therefore, it has been classified as a Variant of Uncertain Significance.

NM_001347721.2(DYRK1A):c.1556G>A (p.Arg519Gln)

Gene: DYRK1A (dual specificity tyrosine phosphorylation regulated kinase 1A; plus strand). Cytogenetic location: 21q22.13.
Variant type: single nucleotide variant.
Coding change: c.1556G>A on transcript NM_001347721.2 (MANE Select); coding-DNA position 1556, G replaced by A.
Protein change: p.Arg519Gln; replaces arginine 519 with glutamine.
Molecular consequence: missense variant. On other transcripts: intron variant (1).
Genome position (GRCh38, 1-based): chr21:37,506,135, G>A. VCF-style: chr21-37506135-G-A. GRCh37 (hg19) VCF-style: chr21-38878438-G-A.
Other names: c.1556G>A, p.Arg519Gln (NM_001347722.2, NM_130436.2); c.1469G>A, p.Arg490Gln (NM_001347723.2); c.1583G>A, p.Arg528Gln (NM_001396.5, NM_101395.2); c.1546+546G>A (NM_130438.2); short protein forms R490Q, R519Q, R528Q.
Identifiers: ClinVar variation 2906056 (VCV002906056.3), dbSNP rs146570372, ClinGen allele CA10024008.